The following is an entry in ClinVar:

ClinVar aggregate classification (germline): not provided (0 of 4 stars; one submission).

Allele frequency attached by ClinVar (database versions not stated): ExAC 0.00001; gnomAD exomes 0.00001.

Submission:

ITMI
No classification provided. Condition: AllHighlyPenetrant. Last evaluated: 2013-09-19. Review status: no classification provided. Collection method: reference population. Allele origin: germline.
Comment: Please see associated publication for description of ethnicities

Literature cited by the submitters: PubMed 24728327.

NM_004187.5(KDM5C):c.4498G>A (p.Glu1500Lys)

Gene: KDM5C (lysine demethylase 5C; minus strand). Cytogenetic location: Xp11.22.
Variant type: single nucleotide variant.
Coding change: c.4498G>A on transcript NM_004187.5 (MANE Select); coding-DNA position 4498, G replaced by A.
Protein change: p.Glu1500Lys; replaces glutamic acid 1500 with lysine.
Molecular consequence: missense variant. On other transcripts: intron variant (5).
Genome position (GRCh38, 1-based): chrX:53,193,152, C>T on the plus strand (G>A on the coding strand, the complement: KDM5C is on the minus strand). VCF-style: chrX-53193152-C-T. GRCh37 (hg19) VCF-style: chrX-53222334-C-T.
Other names: c.4495G>A, p.Glu1499Lys (NM_001282622.3); c.4489G>A, p.Glu1497Lys (NM_001353978.3); c.4305+285G>A (NM_001353982.2); c.4314+285G>A (NM_001353979.2); c.4308+285G>A (NM_001353981.2, NM_001353984.2); c.4047-315G>A (NM_001146702.2); short protein forms E1500K, E1499K, E1497K.
Identifiers: ClinVar variation 134593 (VCV000134593.1), dbSNP rs782774569, ClinGen allele CA160282.